The following is an entry in ClinVar:

NM_000065.5(C6):c.220A>C (p.Asn74His)

Gene: C6 (complement C6; minus strand). Cytogenetic location: 5p13.1.
Variant type: single nucleotide variant.
Coding change: c.220A>C on transcript NM_000065.5 (MANE Select); coding-DNA position 220, A replaced by C.
Protein change: p.Asn74His; replaces asparagine 74 with histidine.
Molecular consequence: missense variant.
Genome position (GRCh38, 1-based): chr5:41,201,638, T>G on the plus strand (A>C on the coding strand, the complement: C6 is on the minus strand). VCF-style: chr5-41201638-T-G. GRCh37 (hg19) VCF-style: chr5-41201740-T-G.
Other names: c.220A>C, p.Asn74His (NM_001115131.4); short protein forms N74H.
Identifiers: ClinVar variation 1499825 (VCV001499825.7), dbSNP rs144491040, ClinGen allele CA3252863.

ClinVar aggregate classification (germline): Uncertain significance. Review status: criteria provided, multiple submitters, no conflicts (2 of 4 stars). 2 submissions from 2 submitters: Uncertain significance (2). Last evaluated 2023-12-22.

Allele frequency attached by ClinVar (database versions not stated): ExAC 0.00002; gnomAD exomes 0.00004; TOPMed 0.00004; gnomAD 0.00005 and 0.00006; ESP Exome Variant Server 0.00015.
gnomAD v4.1: 76 of 1,613,608 alleles (0.0047%); highest among the groups gnomAD compares: Middle Eastern, 0.049%; no homozygotes.

Submissions (2):

Labcorp Genetics (formerly Invitae), Labcorp
Classification: Uncertain significance. Last evaluated: 2023-12-22. Review status: criteria provided, single submitter. Criteria: Invitae Variant Classification Sherloc (09022015). Collection method: clinical testing. Allele origin: germline.
Comment: This sequence change replaces asparagine, which is neutral and polar, with histidine, which is basic and polar, at codon 74 of the C6 protein (p.Asn74His). This variant is present in population databases (rs144491040, gnomAD 0.01%). This variant has not been reported in the literature in individuals affected with C6-related conditions. ClinVar contains an entry for this variant (Variation ID: 1499825). An algorithm developed to predict the effect of missense changes on protein structure and function (PolyPhen-2) suggests that this variant is likely to be disruptive. In summary, the available evidence is currently insufficient to determine the role of this variant in disease. Therefore, it has been classified as a Variant of Uncertain Significance.

Breakthrough Genomics
Classification: Uncertain significance. Review status: criteria provided, single submitter. Criteria: ACMG Guidelines, 2015. Collection method: not provided. Allele origin: germline. Inheritance: Autosomal recessive inheritance. Affected: yes.